The following is an entry in ClinVar:

ClinVar aggregate classification (germline): Conflicting classifications of pathogenicity. Review status: criteria provided, conflicting classifications (1 of 4 stars). 2 submissions from 2 submitters: Uncertain significance (1); Likely benign (1). Last evaluated 2025-02-16.

Conditions:
Hereditary cancer-predisposing syndrome. Also called: Neoplastic Syndromes, Hereditary; Hereditary neoplastic syndrome; Tumor predisposition; Hereditary Cancer Syndrome. Identifiers: Orphanet 140162, MedGen C0027672, MeSH D009386, MONDO:0015356.

Submissions (2):

Ambry Genetics
Classification: Likely benign for Hereditary cancer-predisposing syndrome. Last evaluated: 2025-02-16. Review status: criteria provided, single submitter. Criteria: Ambry Variant Classification Scheme 2023. Collection method: clinical testing. Allele origin: germline.

Quest Diagnostics Nichols Institute San Juan Capistrano
Classification: Uncertain significance. Last evaluated: 2023-02-16. Review status: criteria provided, single submitter. Criteria: Quest Diagnostics criteria. Collection method: clinical testing. Allele origin: unknown.
Comment: This variant has not been reported in the published literature. It also has not been reported in large, multi-ethnic general populations. Analysis of this variant using software algorithms for the prediction of the effect of nucleotide changes on splicing yielded predictions that this variant does not affect RAD50 mRNA splicing . Based on the available information, we are unable to determine the clinical significance of this variant.

NM_005732.4(RAD50):c.660T>C (p.Ala220=)

Gene: RAD50 (RAD50 double strand break repair protein; plus strand). Cytogenetic location: 5q31.1.
Variant type: single nucleotide variant.
Coding change: c.660T>C on transcript NM_005732.4 (MANE Select); coding-DNA position 660, T replaced by C.
Protein change: p.Ala220=; no amino-acid change (alanine 220 retained).
Molecular consequence: synonymous variant.
Genome position (GRCh38, 1-based): chr5:132,579,970, T>C. VCF-style: chr5-132579970-T-C. GRCh37 (hg19) VCF-style: chr5-131915662-T-C.
Identifiers: ClinVar variation 2682067 (VCV002682067.2), dbSNP rs2479617464, ClinGen allele CA446356675.